The following is an entry in ClinVar:

NM_000138.5(FBN1):c.7016G>A (p.Cys2339Tyr)

Gene: FBN1 (fibrillin 1; minus strand). Cytogenetic location: 15q21.1.
Variant type: single nucleotide variant.
Coding change: c.7016G>A on transcript NM_000138.5 (MANE Select); coding-DNA position 7016, G replaced by A.
Protein change: p.Cys2339Tyr; replaces cysteine 2339 with tyrosine.
Molecular consequence: missense variant.
Genome position (GRCh38, 1-based): chr15:48,427,755, C>T on the plus strand (G>A on the coding strand, the complement: FBN1 is on the minus strand). VCF-style: chr15-48427755-C-T. GRCh37 (hg19) VCF-style: chr15-48719952-C-T.
Other names: p.Cys2339Tyr; NM_000138.5(FBN1):c.7016G>A; short protein forms C2339Y.
Identifiers: ClinVar variation 495644 (VCV000495644.6), dbSNP rs1555394580, ClinGen allele CA392330332.

ClinVar aggregate classification (germline): Likely pathogenic. Review status: reviewed by expert panel (3 of 4 stars). 3 submissions from 3 submitters: Likely pathogenic (1). 2 of the submissions do not count toward it. Last evaluated 2024-08-22.

Conditions:
Marfan syndrome (MFS). Also called: MARFAN SYNDROME, TYPE I; FBN1-Related Marfan Syndrome; Marfan syndrome type 1; Marfan's syndrome; Marfan syndrome, classic. Identifiers: Orphanet 284963, Orphanet 558, MedGen C0024796, MONDO:0007947, OMIM 154700.

Submissions (3):

ClinGen FBN1 Variant Curation Expert Panel, ClinGen
Classification: Likely pathogenic for Marfan syndrome. Last evaluated: 2024-08-22. Review status: reviewed by expert panel. Criteria: Assertion Criteria VCEP FBN1 Version 1. Collection method: curation. Allele origin: germline. Inheritance: Autosomal dominant inheritance.
Comment: NM_00138 c. 7016G>A is a missense variant in FBN1 predicted to cause a substitution of cysteine by tyrosine at amino acid 2339 (p.Cys2339Tyr). This variant has been reported 1 time in ClinVar as Likely pathogenic and 1 time as uncertain significance (VariationID:495644).This variant is not present in gnomAD (PM2_Sup; v4.0.0). This variant affects a cysteine residue in a TB domain. Cysteine residues are believed to be involved in the formation of disulfide bridges which are essential for the protein structure (PM1). The constraint z-score for missense variants affecting FBN1 is 8.18 (PP2; v4.0.0). Computational prediction tools and conservation analysis suggest that this variant may impact the protein (REVEL: 0.992, PP3). In summary, this variant meets criteria to be classified as likely pathogenic for Marfan syndrome based on the ACMG/AMP criteria applied, as specified by the ClinGen FBN1 VCEP: PM1, PM5, PS4_Sup, PM2_Sup, PP2, PP3.

Laboratory for Molecular Medicine, Mass General Brigham Personalized Medicine
Classification: Likely pathogenic for Marfan syndrome. Last evaluated: 2018-02-08. Review status: criteria provided, single submitter. Criteria: LMM Criteria. Collection method: clinical testing. Allele origin: germline. Inheritance: Autosomal dominant inheritance. Observed: 1 variant allele. Not counted in ClinVar's aggregate classification.
Comment: The p.Cys2339Tyr variant in FBN1 has been reported in 1 individual with clinical features of Marfan syndrome (Katzke 2002) and was absent from large population studies. Computational prediction tools and conservation analysis suggest that t he p.Cys2339Tyr variant may impact the protein. Two other variants at this amino acid position (p.Cys2239Gly, p.Cys2239arg) have also been reported in individua ls with Marfan syndrome (Rybczynski 2008, Ogawa 2011), suggesting that changes a t this position may not be tolerated. In addition, the p.Cys2339Tyr variant affe cts a cysteine residue; cysteine substitutions are a common finding in individua ls with Marfan syndrome (Schrijver 1999). In summary, although additional studie s are required to fully establish its clinical significance, the p.Cys2339Tyr va riant is likely pathogenic. ACMG/AMP Criteria applied (Richards 2015): PM1; PM2; PP3; PS4_supporting.

Women's Health and Genetics/Laboratory Corporation of America, LabCorp
Classification: Uncertain significance. Last evaluated: 2017-02-17. Review status: criteria provided, single submitter. Criteria: LabCorp Variant Classification Summary - May 2015. Collection method: clinical testing. Allele origin: germline. Not counted in ClinVar's aggregate classification.
Comment: Variant summary: The FBN1 c.7016G>A (p.Cys2339Tyr) variant causes a missense change involving the alteration of a conserved nucleotide. 4/4 in silico tools predict a damaging outcome for this variant (SNPs&GO not captured due to low reliability index) although these predictions have yet to be functionally assessed. This variant is absent in 119,502 control chromosomes. The variant of interest lies in a conserved region within a TGF-beta binding (TB) domain. Many manifestations of Marfan syndrome relate to excess activation and signaling by the growth factor TGF-beta (Dietz_2005)." This variant determines the substitution of cysteine with tyrosine. The sulfhydryl group of cysteine is unique in its ability to participate in disulfide covalent cross-linkage. In fact, two thirds of fibrillin cysteine residues exist in the half-cystinyl form, suggesting their participation in intramolecular disulfide linkage. Therefore, alteration of cysteine in this domain could disrupt disulfide binding, effecting secondary or tertiary structure or possibly impairing fibrillin interactions. No clinical laboratories cite the variant of interest. Therefore, taking all available lines of evidence, the variant of interest is classified as VUS-possibly pathogenic until additional information becomes available.

Literature cited by the submitters: PubMed 12203992 (cited by Laboratory for Molecular Medicine, Mass General Brigham Personalized Medicine and Women's Health and Genetics/Laboratory Corporation of America, LabCorp); PubMed 19012347 (cited by Laboratory for Molecular Medicine, Mass General Brigham Personalized Medicine); PubMed 21907952 (cited by Laboratory for Molecular Medicine, Mass General Brigham Personalized Medicine); PubMed 10486319 (cited by Laboratory for Molecular Medicine, Mass General Brigham Personalized Medicine); PubMed 12203987 (cited by Women's Health and Genetics/Laboratory Corporation of America, LabCorp); PubMed 24941995 (cited by Women's Health and Genetics/Laboratory Corporation of America, LabCorp); PubMed 16342915 (cited by Women's Health and Genetics/Laboratory Corporation of America, LabCorp).